The following is an entry in ClinVar:

NM_001130438.3(SPTAN1):c.3574T>C (p.Trp1192Arg)

Gene: SPTAN1 (spectrin alpha, non-erythrocytic 1; plus strand). Cytogenetic location: 9q34.11.
Variant type: single nucleotide variant.
Coding change: c.3574T>C on transcript NM_001130438.3 (MANE Select); coding-DNA position 3574, T replaced by C.
Protein change: p.Trp1192Arg; replaces tryptophan 1192 with arginine.
Molecular consequence: missense variant.
Genome position (GRCh38, 1-based): chr9:128,600,110, T>C. VCF-style: chr9-128600110-T-C. GRCh37 (hg19) VCF-style: chr9-131362389-T-C.
Other names: p.W1192R:TGG>CGG; c.3514T>C, p.Trp1172Arg (NM_001195532.2, NM_001363765.2); c.3574T>C, p.Trp1192Arg (NM_001363759.2, NM_003127.4); short protein forms W1192R, W1172R.
Identifiers: ClinVar variation 207282 (VCV000207282.7), dbSNP rs796053305, ClinGen allele CA318601.

ClinVar aggregate classification (germline): Conflicting classifications of pathogenicity. Review status: criteria provided, conflicting classifications (1 of 4 stars). 2 submissions from 2 submitters: Uncertain significance (1); Likely benign (1). Last evaluated 2024-09-27.

Conditions:
Early-infantile DEE. Also called: Ohtahara syndrome; Early infantile epileptic encephalopathy; Early infantile epileptic encephalopathy with suppression bursts. Identifiers: Orphanet 1934, MedGen C0393706, MONDO:0800491.

Allele frequency attached by ClinVar (database versions not stated): gnomAD exomes below 0.00001; TOPMed below 0.00001.
gnomAD v4.1: 3 of 1,614,220 alleles (0.00019%); highest among the groups gnomAD compares: Non-Finnish European, 0.00025%; no homozygotes.

Submissions (2):

Labcorp Genetics (formerly Invitae), Labcorp
Classification: Uncertain significance for Early-infantile DEE. Last evaluated: 2024-09-27. Review status: criteria provided, single submitter. Criteria: Invitae Variant Classification Sherloc (09022015). Collection method: clinical testing. Allele origin: germline.
Comment: This sequence change replaces tryptophan, which is neutral and slightly polar, with arginine, which is basic and polar, at codon 1192 of the SPTAN1 protein (p.Trp1192Arg). This variant is present in population databases (rs796053305, gnomAD 0.0009%). This variant has not been reported in the literature in individuals affected with SPTAN1-related conditions. ClinVar contains an entry for this variant (Variation ID: 207282). Invitae Evidence Modeling of protein sequence and biophysical properties (such as structural, functional, and spatial information, amino acid conservation, physicochemical variation, residue mobility, and thermodynamic stability) has been performed for this missense variant. However, the output from this modeling did not meet the statistical confidence thresholds required to predict the impact of this variant on SPTAN1 protein function. In summary, the available evidence is currently insufficient to determine the role of this variant in disease. Therefore, it has been classified as a Variant of Uncertain Significance.

GeneDx
Classification: Likely benign. Last evaluated: 2013-02-22. Review status: criteria provided, single submitter. Criteria: GeneDx Variant Classification (06012015). Collection method: clinical testing. Allele origin: germline. Affected: yes.
Comment: This variant is considered likely benign or benign based on one or more of the following criteria: it is a conservative change, it occurs at a poorly conserved position in the protein, it is predicted to be benign by multiple in silico algorithms, and/or has population frequency not consistent with disease.